The following is an entry in ClinVar:

ClinVar aggregate classification (germline): Uncertain significance. Review status: criteria provided, multiple submitters, no conflicts (2 of 4 stars). 2 submissions from 2 submitters: Uncertain significance (2). Last evaluated 2025-12-10.

Conditions:
Inborn genetic diseases. Identifiers: MedGen C0950123, MeSH D030342.

gnomAD v4.1: 5 of 1,613,300 alleles (0.00031%); highest among the groups gnomAD compares: African/African-American, 0.0013%; no homozygotes.

Submissions (2):

Ambry Genetics
Classification: Uncertain significance for Inborn genetic diseases. Last evaluated: 2025-12-10. Review status: criteria provided, single submitter. Criteria: Ambry Variant Classification Scheme 2023. Collection method: clinical testing. Allele origin: germline.
Comment: The c.8213G>A (p.R2738H) alteration is located in exon 52 (coding exon 52) of the PIEZO2 gene. This alteration results from a G to A substitution at nucleotide position 8213, causing the arginine (R) at amino acid position 2738 to be replaced by a histidine (H). Based on data from gnomAD, the A allele has an overall frequency of <0.001% (1/250992) total alleles studied. The highest observed frequency was 0.006% (1/16226) of African alleles. This amino acid position is highly conserved in available vertebrate species. This alteration is predicted to be deleterious by in silico analysis. Based on insufficient or conflicting evidence, the clinical significance of this alteration remains unclear.

Blueprint Genetics
Classification: Uncertain significance. Last evaluated: 2019-01-29. Review status: criteria provided, single submitter. Criteria: ACMG Guidelines, 2015. Collection method: clinical testing. Allele origin: germline.

NM_001378183.1(PIEZO2):c.8552G>A (p.Arg2851His)

Gene: PIEZO2 (piezo type mechanosensitive ion channel component 2; minus strand). Cytogenetic location: 18p11.22.
Variant type: single nucleotide variant.
Coding change: c.8552G>A on transcript NM_001378183.1 (MANE Select); coding-DNA position 8552, G replaced by A.
Protein change: p.Arg2851His; replaces arginine 2851 with histidine.
Molecular consequence: missense variant.
Genome position (GRCh38, 1-based): chr18:10,671,573, C>T on the plus strand (G>A on the coding strand, the complement: PIEZO2 is on the minus strand). VCF-style: chr18-10671573-C-T. GRCh37 (hg19) VCF-style: chr18-10671570-C-T.
Other names: c.8288G>A, p.Arg2763His (NM_001410871.1); c.8213G>A, p.Arg2738His (NM_022068.4); short protein forms R2851H, R2738H, R2763H.
Identifiers: ClinVar variation 4627518 (VCV004627518.2).